The following is an entry in ClinVar:

ClinVar aggregate classification (germline): Uncertain significance (1 of 4 stars; one submission).

Submission:

Women's Health and Genetics/Laboratory Corporation of America, LabCorp
Classification: Uncertain significance. Last evaluated: 2025-09-02. Review status: criteria provided, single submitter. Criteria: LabCorp Variant Classification Summary - May 2015. Collection method: clinical testing. Allele origin: germline.
Comment: Variant summary: ATRX c.2342G>C (p.Arg781Pro) results in a non-conservative amino acid change in the encoded protein sequence. Algorithms developed to predict the effect of missense changes on protein structure and function all suggest that this variant is likely to be disruptive. The frequency data for this variant in gnomAD is considered unreliable, as metrics indicate poor data quality at this position. To our knowledge, no occurrence of c.2342G>C in individuals affected with ATRX-related conditions and no experimental evidence demonstrating its impact on protein function have been reported. No submitters have cited clinical-significance assessments for this variant to ClinVar. Based on the evidence outlined above, the variant was classified as uncertain significance.

NM_000489.6(ATRX):c.2342G>C (p.Arg781Pro)

Gene: ATRX (ATRX chromatin remodeler; minus strand). Cytogenetic location: Xq21.1.
Variant type: single nucleotide variant.
Coding change: c.2342G>C on transcript NM_000489.6 (MANE Select); coding-DNA position 2342, G replaced by C.
Protein change: p.Arg781Pro; replaces arginine 781 with proline.
Molecular consequence: missense variant.
Genome position (GRCh38, 1-based): chrX:77,682,914, C>G on the plus strand (G>C on the coding strand, the complement: ATRX is on the minus strand). VCF-style: chrX-77682914-C-G. GRCh37 (hg19) VCF-style: chrX-76938406-C-G.
Other names: c.2228G>C, p.Arg743Pro (NM_138270.5); short protein forms R743P, R781P.
Identifiers: ClinVar variation 4535920 (VCV004535920.1).